The following is an entry in ClinVar:

NM_000260.4(MYO7A):c.6479G>A (p.Trp2160Ter)

Gene: MYO7A (myosin VIIA; plus strand). Cytogenetic location: 11q13.5.
Variant type: single nucleotide variant.
Coding change: c.6479G>A on transcript NM_000260.4 (MANE Select); coding-DNA position 6479, G replaced by A.
Protein change: p.Trp2160Ter; replaces tryptophan 2160 with a stop codon.
Molecular consequence: nonsense.
Genome position (GRCh38, 1-based): chr11:77,213,900, G>A. VCF-style: chr11-77213900-G-A. GRCh37 (hg19) VCF-style: chr11-76924945-G-A.
Other names: c.6359G>A, p.Trp2120Ter (NM_001127180.2); c.6332G>A, p.Trp2111Ter (NM_001369365.1); short protein forms W2111*, W2120*, W2160*.
Identifiers: ClinVar variation 3382102 (VCV003382102.3).

ClinVar aggregate classification (germline): Pathogenic/Likely pathogenic. Review status: criteria provided, multiple submitters, no conflicts (2 of 4 stars). 2 submissions from 2 submitters: Pathogenic (1); Likely pathogenic (1). Last evaluated 2025-01-09.

Conditions:
Autosomal recessive nonsyndromic hearing loss 2. Also called: NEUROSENSORY NONSYNDROMIC RECESSIVE DEAFNESS 2; DEAFNESS, AUTOSOMAL RECESSIVE 2. Identifiers: Orphanet 90636, MedGen C1838701, MONDO:0010807, OMIM 600060.
Usher syndrome type 1 (USH1). Also called: RETINITIS PIGMENTOSA AND CONGENITAL DEAFNESS. Identifiers: Orphanet 231169, Orphanet 886, MedGen C1568247, MONDO:0010168, OMIM 276900.
Autosomal dominant nonsyndromic hearing loss 11. Identifiers: Orphanet 90635, MedGen C1832475, MONDO:0011032, OMIM 601317.

Submissions (2):

Institute of Rare Diseases, West China Hospital, Sichuan University
Classification: Pathogenic for Autosomal recessive nonsyndromic hearing loss 2. Last evaluated: 2025-01-09. Review status: criteria provided, single submitter. Criteria: ClinGen HL ACMG Specifications v1. Collection method: research. Allele origin: germline. Affected: yes.
Comment: PVS1;PM3_Supporting;PM2_Supporting

Juno Genomics, Hangzhou Juno Genomics, Inc
Classification: Likely pathogenic for Autosomal dominant nonsyndromic hearing loss 11; Autosomal recessive nonsyndromic hearing loss 2; Usher syndrome type 1. Review status: criteria provided, single submitter. Criteria: ACMG Guidelines, 2015. Collection method: clinical testing. Allele origin: germline. Affected: yes.
Comment: Absent from controls (or at extremely low frequency if recessive) in Genome Aggregation Database, Exome Sequencing Project, 1000 Genomes Project, or Exome Aggregation Consortium.;Null variant in a gene where loss of function (LOF) is a known mechanism of disease.